The following is an entry in ClinVar:

ClinVar aggregate classification (germline): Conflicting classifications of pathogenicity. Review status: criteria provided, conflicting classifications (1 of 4 stars). 4 submissions from 4 submitters: Uncertain significance (3); Likely benign (1). Last evaluated 2025-12-15.

Conditions:
Familial sleep-related hypermotor epilepsy. Also called: Autosomal Dominant Sleep-Related Hypermotor (Hyperkinetic) Epilepsy. Identifiers: Orphanet 98784, MedGen C3696898, MONDO:0000030.
Autosomal dominant nocturnal frontal lobe epilepsy 1. Also called: CHRNA4-Related Nocturnal Frontal Lobe Epilepsy, Autosomal Dominant; EPILEPSY, NOCTURNAL FRONTAL LOBE, TYPE 1. Identifiers: Orphanet 98784, MedGen C1838049, MONDO:0010899, OMIM 600513.
Tobacco addiction, susceptibility to. Also called: CIGARETTE HABITUATION, SUSCEPTIBILITY TO. Identifiers: MedGen C1861063, MONDO:0100460, OMIM 188890.

Allele frequency attached by ClinVar (database versions not stated): TOPMed 0.00003; gnomAD exomes 0.00006 and 0.00008; ExAC 0.00007; ESP Exome Variant Server 0.00008; gnomAD 0.00010.

Submissions (4):

Labcorp Genetics (formerly Invitae), Labcorp
Classification: Likely benign. Last evaluated: 2025-12-15. Review status: criteria provided, single submitter. Criteria: Invitae Variant Classification Sherloc (09022015). Collection method: clinical testing. Allele origin: germline.

CeGaT Center for Human Genetics Tuebingen
Classification: Uncertain significance. Last evaluated: 2024-12-01. Review status: criteria provided, single submitter. Criteria: CeGaT Center For Human Genetics Tuebingen Variant Classification Criteria Version 2. Collection method: clinical testing. Allele origin: germline. Affected: yes. Observed: 1 variant allele.
Comment: CHRNA4: PP3

GeneDx
Classification: Uncertain significance. Last evaluated: 2020-02-20. Review status: criteria provided, single submitter. Criteria: GeneDx Variant Classification Process June 2021. Collection method: clinical testing. Allele origin: germline. Affected: yes.
Comment: In silico analysis supports that this missense variant has a deleterious effect on protein structure/function; Has not been previously published as pathogenic or benign to our knowledge

Fulgent Genetics
Classification: Uncertain significance for Tobacco addiction, susceptibility to; Autosomal dominant nocturnal frontal lobe epilepsy 1. Last evaluated: 2018-10-31. Review status: criteria provided, single submitter. Criteria: ACMG Guidelines, 2015. Collection method: clinical testing. Allele origin: unknown.

NM_000744.7(CHRNA4):c.358C>T (p.Arg120Trp)

Genes: CHRNA4 (cholinergic receptor nicotinic alpha 4 subunit; minus strand), LOC126863087 (P300/CBP strongly-dependent group 1 enhancer GRCh37_chr20:61986832-61988031; plus strand). Cytogenetic location: 20q13.33.
Variant type: single nucleotide variant.
Coding change: c.358C>T on transcript NM_000744.7 (MANE Select); coding-DNA position 358, C replaced by T.
Protein change: p.Arg120Trp; replaces arginine 120 with tryptophan.
Molecular consequence: missense variant. On other transcripts: 5 prime UTR variant (1), non-coding transcript variant (1).
Genome position (GRCh38, 1-based): chr20:63,356,000, G>A on the plus strand (C>T on the coding strand, the complement: CHRNA4 is on the minus strand). VCF-style: chr20-63356000-G-A. GRCh37 (hg19) VCF-style: chr20-61987352-G-A.
Other names: p.R120W:CGG>TGG; c.-189C>T (NM_001256573.2); short protein forms R120W.
Identifiers: ClinVar variation 205046 (VCV000205046.26), dbSNP rs200010568, ClinGen allele CA313611.